The following is an entry in ClinVar:

NM_033337.3(CAV3):c.*20G>A

Genes: CAV3 (caveolin 3; plus strand), OXTR (oxytocin receptor; minus strand). Cytogenetic location: 3p25.3.
Variant type: single nucleotide variant.
Coding change: c.*20G>A on transcript NM_033337.3 (MANE Select); 20 bases downstream of the stop codon, G replaced by A.
Molecular consequence: 3 prime UTR variant. On other transcripts: intron variant (1).
Genome position (GRCh38, 1-based): chr3:8,745,887, G>A. VCF-style: chr3-8745887-G-A. GRCh37 (hg19) VCF-style: chr3-8787573-G-A.
Other names: c.*6+14G>A (NM_001234.5).
Identifiers: ClinVar variation 900584 (VCV000900584.11), dbSNP rs137946394, ClinGen allele CA2236380.
Genomic context (GRCh38, chr3:8,745,887, plus strand): 5'-TCTGCAGCAGCATCAAGGTGGTGCTGCGGAAGGAGGTCTAAAGCCAGGTGGGGCAACAGC[G>A]GTGGCAGGGCAGGGGGTGGTGGGCCAGACTGGTCCCCGGGGGACTTCTTCACAGGGGCTG-3'

ClinVar aggregate classification (germline): Benign/Likely benign. Review status: criteria provided, multiple submitters, no conflicts (2 of 4 stars). 7 submissions from 7 submitters: Benign (3); Likely benign (2). 2 of the submissions do not count toward it. Last evaluated 2023-03-28.

Conditions:
Cardiovascular phenotype. Identifiers: MedGen CN230736.
Caveolinopathy. Identifiers: Orphanet 207078, MedGen C5679790, MONDO:0016146.

Allele frequency attached by ClinVar (database versions not stated): gnomAD exomes 0.00012 and 0.00030; ExAC 0.00040; 1000 Genomes Project 0.00060; 1000 Genomes Project 30x 0.00078; gnomAD 0.00104 and 0.00114; TOPMed 0.00116; ESP Exome Variant Server 0.00169.
gnomAD v4.1: 331 of 1,600,198 alleles (0.021%); highest among the groups gnomAD compares: African/African-American, 0.37%; 4 homozygotes.

Submissions (7):

Blueprint Genetics
Classification: Likely benign. Last evaluated: 2023-03-28. Review status: criteria provided, single submitter. Criteria: ACMG Guidelines, 2015. Collection method: clinical testing. Allele origin: germline.

Women's Health and Genetics/Laboratory Corporation of America, LabCorp
Classification: Benign. Last evaluated: 2022-08-06. Review status: criteria provided, single submitter. Criteria: LabCorp Variant Classification Summary - May 2015. Collection method: clinical testing. Allele origin: germline.

Illumina Laboratory Services, Illumina
Classification: Benign for Caveolinopathy. Last evaluated: 2018-01-12. Review status: criteria provided, single submitter. Criteria: ICSL Variant Classification Criteria 13 December 2019. Collection method: clinical testing. Allele origin: germline.
Comment: This variant was observed in the ICSL laboratory as part of a predisposition screen in an ostensibly healthy population. It had not been previously curated by ICSL or reported in the Human Gene Mutation Database (HGMD: prior to June 1st, 2018), and was therefore a candidate for classification through an automated scoring system. Utilizing variant allele frequency, disease prevalence and penetrance estimates, and inheritance mode, an automated score was calculated to assess if this variant is too frequent to cause the disease. Based on the score and internal cut-off values, a variant classified as benign is not then subjected to further curation. The score for this variant resulted in a classification of benign for this disease.

Ambry Genetics
Classification: Likely benign for Cardiovascular phenotype. Last evaluated: 2017-09-30. Review status: criteria provided, single submitter. Criteria: Ambry Variant Classification Scheme 2023. Collection method: clinical testing. Allele origin: germline.

GeneDx
Classification: Benign. Last evaluated: 2015-03-03. Review status: criteria provided, single submitter. Criteria: GeneDx Variant Classification Process June 2021. Collection method: clinical testing. Allele origin: germline. Affected: yes.

Clinical Genetics DNA and cytogenetics Diagnostics Lab, Erasmus MC, Erasmus Medical Center
Classification: Likely benign. Review status: no assertion criteria provided. Collection method: clinical testing. Allele origin: germline. Affected: yes. Study: VKGL Data-share Consensus. Not counted in ClinVar's aggregate classification.

Clinical Genetics, Academic Medical Center
Classification: Benign. Review status: no assertion criteria provided. Collection method: clinical testing. Allele origin: germline. Affected: yes. Study: VKGL Data-share Consensus. Not counted in ClinVar's aggregate classification.